The following is an entry in ClinVar:

NM_000441.2(SLC26A4):c.454G>A (p.Val152Ile)

Gene: SLC26A4 (solute carrier family 26 member 4; plus strand). Cytogenetic location: 7q22.3.
Variant type: single nucleotide variant.
Coding change: c.454G>A on transcript NM_000441.2 (MANE Select); coding-DNA position 454, G replaced by A.
Protein change: p.Val152Ile; replaces valine 152 with isoleucine.
Molecular consequence: missense variant.
Genome position (GRCh38, 1-based): chr7:107,674,202, G>A. VCF-style: chr7-107674202-G-A. GRCh37 (hg19) VCF-style: chr7-107314647-G-A.
Other names: short protein forms V152I.
Identifiers: ClinVar variation 2505817 (VCV002505817.1), dbSNP rs1004622248, ClinGen allele CA164216313.

ClinVar aggregate classification (germline): Uncertain significance (1 of 4 stars; one submission).

Allele frequency attached by ClinVar (database versions not stated): gnomAD 0.00001; gnomAD exomes 0.00001; TOPMed 0.00002.

Submission:

GeneDx
Classification: Uncertain significance. Last evaluated: 2022-12-13. Review status: criteria provided, single submitter. Criteria: GeneDx Variant Classification Process June 2021. Collection method: clinical testing. Allele origin: germline. Affected: yes.
Comment: In silico analysis supports that this missense variant does not alter protein structure/function; Has not been previously published as pathogenic or benign to our knowledge